The following is an entry in ClinVar:

ClinVar aggregate classification (germline): Conflicting classifications of pathogenicity. Review status: criteria provided, conflicting classifications (1 of 4 stars). 10 submissions from 9 submitters: Uncertain significance (1); Benign (5); Likely benign (4). Last evaluated 2026-01-29.

Conditions:
PDE6B-related disorder. Also called: PDE6B-related disorders; PDE6B-related disease; PDE6B-related condition.
Retinitis pigmentosa (RP). Identifiers: Orphanet 791, MedGen C0035334, MeSH D012174, MONDO:0019200, OMIM 268000. Inheritance: Autosomal dominant, autosomal recessive and X linked inheritance.
Congenital stationary night blindness autosomal dominant 2. Also called: NIGHT BLINDNESS, CONGENITAL STATIONARY, RAMBUSCH TYPE. Identifiers: Orphanet 215, MedGen C1876182, MONDO:0008099, OMIM 163500.

Allele frequency attached by ClinVar (database versions not stated): gnomAD exomes 0.00441 and 0.00688; ExAC 0.00456; gnomAD 0.00465 and 0.00459; TOPMed 0.00456; 1000 Genomes Project 30x 0.00172; ESP Exome Variant Server 0.00538; 1000 Genomes Project 0.00180.
gnomAD v4.1: 10,589 of 1,606,172 alleles (0.66%); highest among the groups gnomAD compares: Non-Finnish European, 0.82%; 52 homozygotes.

Submissions (10):

Labcorp Genetics (formerly Invitae), Labcorp
Classification: Benign. Last evaluated: 2026-01-29. Review status: criteria provided, single submitter. Criteria: Invitae Variant Classification Sherloc (09022015). Collection method: clinical testing. Allele origin: germline.

PreventionGenetics, part of Exact Sciences
Classification: Likely benign for PDE6B-related condition. Last evaluated: 2025-12-10. Review status: criteria provided, single submitter. Criteria: ACMG Guidelines, 2015. Collection method: clinical testing. Allele origin: germline.
Comment: This variant is classified as likely benign based on ACMG/AMP sequence variant interpretation guidelines (Richards et al. 2015 PMID: 25741868, with internal and published modifications).

Blueprint Genetics
Classification: Likely benign. Last evaluated: 2024-11-22. Review status: criteria provided, single submitter. Criteria: ACMG Guidelines, 2015. Collection method: clinical testing. Allele origin: germline.

CeGaT Center for Human Genetics Tuebingen
Classification: Likely benign. Last evaluated: 2022-07-01. Review status: criteria provided, single submitter. Criteria: CeGaT Center For Human Genetics Tuebingen Variant Classification Criteria Version 2. Collection method: clinical testing. Allele origin: germline. Affected: yes. Observed: 3 variant alleles.
Comment: PDE6B: BS2

ARUP Laboratories, Molecular Genetics and Genomics, ARUP Laboratories
Classification: Benign. Last evaluated: 2020-01-29. Review status: criteria provided, single submitter. Criteria: ARUP Molecular Germline Variant Investigation Process. Collection method: clinical testing. Allele origin: germline.

Mendelics
Classification: Benign for Retinitis pigmentosa. Last evaluated: 2019-05-28. Review status: criteria provided, single submitter. Criteria: Mendelics Assertion Criteria 2017. Collection method: clinical testing. Allele origin: unknown.

Illumina Laboratory Services, Illumina
Classification: Uncertain significance for Retinitis pigmentosa. Last evaluated: 2018-03-06. Review status: criteria provided, single submitter. Criteria: ICSL Variant Classification Criteria 13 December 2019. Collection method: clinical testing. Allele origin: germline.

Illumina Laboratory Services, Illumina
Classification: Benign for Congenital stationary night blindness autosomal dominant 2. Last evaluated: 2018-03-06. Review status: criteria provided, single submitter. Criteria: ICSL Variant Classification Criteria 13 December 2019. Collection method: clinical testing. Allele origin: germline.
Comment: This variant was observed in the ICSL laboratory as part of a predisposition screen in an ostensibly healthy population. It had not been previously curated by ICSL or reported in the Human Gene Mutation Database (HGMD: prior to June 1st, 2018), and was therefore a candidate for classification through an automated scoring system. Utilizing variant allele frequency, disease prevalence and penetrance estimates, and inheritance mode, an automated score was calculated to assess if this variant is too frequent to cause the disease. Based on the score and internal cut-off values, a variant classified as benign is not then subjected to further curation. The score for this variant resulted in a classification of benign for this disease.

GeneDx
Classification: Likely benign. Last evaluated: 2017-05-31. Review status: criteria provided, single submitter. Criteria: GeneDx Variant Classification (06012015). Collection method: clinical testing. Allele origin: germline. Affected: yes.
Comment: This variant is considered likely benign or benign based on one or more of the following criteria: it is a conservative change, it occurs at a poorly conserved position in the protein, it is predicted to be benign by multiple in silico algorithms, and/or has population frequency not consistent with disease.

Eurofins Ntd Llc (ga)
Classification: Benign. Last evaluated: 2014-02-18. Review status: criteria provided, single submitter. Criteria: EGL Classification Definitions 2015. Collection method: clinical testing. Allele origin: germline. Observed: 1 variant allele, 1 heterozygote.

NM_000283.4(PDE6B):c.655T>C (p.Tyr219His)

Gene: PDE6B (phosphodiesterase 6B; plus strand). Cytogenetic location: 4p16.3.
Variant type: single nucleotide variant.
Coding change: c.655T>C on transcript NM_000283.4 (MANE Select); coding-DNA position 655, T replaced by C.
Protein change: p.Tyr219His; replaces tyrosine 219 with histidine.
Molecular consequence: missense variant.
Genome position (GRCh38, 1-based): chr4:635,913, T>C. VCF-style: chr4-635913-T-C. GRCh37 (hg19) VCF-style: chr4-629702-T-C.
Other names: c.655T>C, p.Tyr219His (NM_001145291.2); short protein forms Y219H.
Identifiers: ClinVar variation 92769 (VCV000092769.67), dbSNP rs62295357, ClinGen allele CA145993.